The following is an entry in ClinVar:

NM_016169.4(SUFU):c.1352C>A (p.Thr451Asn)

Gene: SUFU (SUFU negative regulator of hedgehog signaling; plus strand). Cytogenetic location: 10q24.32.
Variant type: single nucleotide variant.
Coding change: c.1352C>A on transcript NM_016169.4 (MANE Select); coding-DNA position 1352, C replaced by A.
Protein change: p.Thr451Asn; replaces threonine 451 with asparagine.
Molecular consequence: missense variant.
Genome position (GRCh38, 1-based): chr10:102,627,230, C>A. VCF-style: chr10-102627230-C-A. GRCh37 (hg19) VCF-style: chr10-104386987-C-A.
Other names: short protein forms T451N.
Identifiers: ClinVar variation 5030395 (VCV005030395.1).

ClinVar aggregate classification (germline): Uncertain significance (1 of 4 stars; one submission).

Conditions:
Hereditary cancer-predisposing syndrome. Also called: Neoplastic Syndromes, Hereditary; Tumor predisposition; Hereditary neoplastic syndrome; Hereditary Cancer Syndrome. Identifiers: Orphanet 140162, MedGen C0027672, MeSH D009386, MONDO:0015356.

Submission:

Ambry Genetics
Classification: Uncertain significance for Hereditary cancer-predisposing syndrome. Last evaluated: 2026-07-07. Review status: criteria provided, single submitter. Criteria: Ambry Variant Classification Scheme 2023. Collection method: clinical testing. Allele origin: germline.
Comment: The p.T451N variant (also known as c.1352C>A), located in coding exon 11 of the SUFU gene, results from a C to A substitution at nucleotide position 1352. The threonine at codon 451 is replaced by asparagine, an amino acid with similar properties. This amino acid position is conserved. In addition, this alteration is predicted to be tolerated by in silico analysis. Based on the available evidence, the clinical significance of this variant remains unclear.